The following is an entry in ClinVar:

NM_002693.3(POLG):c.3278T>C (p.Met1093Thr)

Gene: POLG (DNA polymerase gamma, catalytic subunit; minus strand). Cytogenetic location: 15q26.1.
Variant type: single nucleotide variant.
Coding change: c.3278T>C on transcript NM_002693.3 (MANE Select); coding-DNA position 3278, T replaced by C.
Protein change: p.Met1093Thr; replaces methionine 1093 with threonine.
Molecular consequence: missense variant.
Genome position (GRCh38, 1-based): chr15:89,318,745, A>G on the plus strand (T>C on the coding strand, the complement: POLG is on the minus strand). VCF-style: chr15-89318745-A-G. GRCh37 (hg19) VCF-style: chr15-89861976-A-G.
Other names: c.3278T>C, p.Met1093Thr (NM_001126131.2); short protein forms M1093T.
Identifiers: ClinVar variation 1306465 (VCV001306465.5), dbSNP rs2152058855, ClinGen allele CA393750272.

ClinVar aggregate classification (germline): Uncertain significance. Review status: criteria provided, multiple submitters, no conflicts (2 of 4 stars). 2 submissions from 2 submitters: Uncertain significance (2). Last evaluated 2023-06-03.

Conditions:
Progressive sclerosing poliodystrophy (MTDPS4A). Also called: Mitochondrial DNA Depletion Syndrome 4A; Alpers-Huttenlocher Syndrome (AHS); Alpers Syndrome; ALPERS DIFFUSE DEGENERATION OF CEREBRAL GRAY MATTER WITH HEPATIC CIRRHOSIS; Alpers-Huttenlocher Syndrome; Mitochondrial DNA depletion syndrome 4A (Alpers type). Identifiers: Orphanet 726, MedGen C0205710, MONDO:0008758, OMIM 203700.

Submissions (2):

Labcorp Genetics (formerly Invitae), Labcorp
Classification: Uncertain significance for Progressive sclerosing poliodystrophy. Last evaluated: 2023-06-03. Review status: criteria provided, single submitter. Criteria: Invitae Variant Classification Sherloc (09022015). Collection method: clinical testing. Allele origin: germline.
Comment: This sequence change replaces methionine, which is neutral and non-polar, with threonine, which is neutral and polar, at codon 1093 of the POLG protein (p.Met1093Thr). This variant is not present in population databases (gnomAD no frequency). This variant has not been reported in the literature in individuals affected with POLG-related conditions. ClinVar contains an entry for this variant (Variation ID: 1306465). Advanced modeling of protein sequence and biophysical properties (such as structural, functional, and spatial information, amino acid conservation, physicochemical variation, residue mobility, and thermodynamic stability) has been performed at Invitae for this missense variant, however the output from this modeling did not meet the statistical confidence thresholds required to predict the impact of this variant on POLG protein function. In summary, the available evidence is currently insufficient to determine the role of this variant in disease. Therefore, it has been classified as a Variant of Uncertain Significance.

GeneDx
Classification: Uncertain significance. Last evaluated: 2019-07-09. Review status: criteria provided, single submitter. Criteria: GeneDx Variant Classification Process June 2021. Collection method: clinical testing. Allele origin: germline. Affected: yes.
Comment: Not observed in large population cohorts (Lek et al., 2016); In silico analysis, which includes protein predictors and evolutionary conservation, supports a deleterious effect; Has not been previously published as pathogenic or benign to our knowledge